The following is an entry in ClinVar:

NM_001101426.4(CRPPA):c.165del (p.Cys56fs)

Genes: CRPPA (CDP-L-ribitol pyrophosphorylase A; minus strand), LOC129998004 (ATAC-STARR-seq lymphoblastoid silent region 17981; plus strand). Cytogenetic location: 7p21.2.
Variant type: Deletion.
Coding change: c.165del on transcript NM_001101426.4 (MANE Select); coding-DNA position 165, one base deleted (G; older notation c.165delG).
Protein change: p.Cys56fs; shifts the reading frame from cysteine 56.
Molecular consequence: frameshift variant. On other transcripts: non-coding transcript variant (1).
Genome position (GRCh38, 1-based): chr7:16,421,158, C deleted on the plus strand (G on the coding strand, the reverse complement: CRPPA is on the minus strand); the first of 6 consecutive C bases (chr7:16,421,158-16,421,163); deleting any one gives the same sequence. VCF-style (leftmost placement, unchanged base first): chr7-16421157-AC-A. GRCh37 (hg19) VCF-style: chr7-16460782-AC-A.
Other names: c.165del, p.Cys56fs (NM_001101417.4, NM_001368197.1); short protein forms C56fs.
Identifiers: ClinVar variation 817140 (VCV000817140.7), dbSNP rs1554371369, ClinGen allele CA573293829.

ClinVar aggregate classification (germline): Pathogenic/Likely pathogenic. Review status: criteria provided, multiple submitters, no conflicts (2 of 4 stars). 3 submissions from 3 submitters: Pathogenic (2); Likely pathogenic (1). Last evaluated 2025-12-30.

Conditions:
Autosomal recessive limb-girdle muscular dystrophy type 2U. Also called: Muscular dystrophy-dystroglycanopathy (limb-girdle), type c, 7; MUSCULAR DYSTROPHY, LIMB-GIRDLE, TYPE 2U. Identifiers: Orphanet 352479, MedGen C5190987, MONDO:0014474, OMIM 616052.
Muscular dystrophy-dystroglycanopathy (congenital with brain and eye anomalies), type A, 7. Also called: WALKER-WARBURG SYNDROME OR MUSCLE-EYE-BRAIN DISEASE, ISPD-RELATED; Congenital muscular dystrophy-dystroglycanopathy with brain and eye anomalies, type A7. Identifiers: Orphanet 899, MedGen C3553330, MONDO:0013835, OMIM 614643.

Submissions (3):

Dasa
Classification: Pathogenic. Last evaluated: 2025-12-30. Review status: criteria provided, single submitter. Criteria: DASA Assertion Criteria. Collection method: clinical testing. Allele origin: germline.
Comment: NM_001101426.4(CRPPA):c.165del (p.Cys56Alafs*35) introduces a premature termination codon predicted to result in loss of normal protein function. Loss-of-function is an established mechanism of disease for this gene. This variant has been observed in affected individuals with related phenotype in a genotype context consistent with recessive disease. The variant is present at low frequency in population datasets. Based on the available data, this variant is classified as pathogenic.

Labcorp Genetics (formerly Invitae), Labcorp
Classification: Pathogenic for Muscular dystrophy-dystroglycanopathy (congenital with brain and eye anomalies), type A, 7; Autosomal recessive limb-girdle muscular dystrophy type 2U. Last evaluated: 2024-02-24. Review status: criteria provided, single submitter. Criteria: Invitae Variant Classification Sherloc (09022015). Collection method: clinical testing. Allele origin: germline.
Comment: This sequence change creates a premature translational stop signal (p.Cys56Alafs*35) in the ISPD gene. It is expected to result in an absent or disrupted protein product. Loss-of-function variants in ISPD are known to be pathogenic (PMID: 23288328). The frequency data for this variant in the population databases is considered unreliable, as metrics indicate poor data quality at this position in the gnomAD database. This variant has not been reported in the literature in individuals affected with ISPD-related conditions. ClinVar contains an entry for this variant (Variation ID: 817140). For these reasons, this variant has been classified as Pathogenic.

GeneDx
Classification: Likely pathogenic. Last evaluated: 2018-07-11. Review status: criteria provided, single submitter. Criteria: GeneDx Variant Classification (06012015). Collection method: clinical testing. Allele origin: germline. Affected: yes.
Comment: A variant that is likely pathogenic has been identified in the ISPD gene. The c.165delG variant has not been published as a pathogenic variant, nor has it been reported as a benign variant to our knowledge. The c.165delG variant is not observed in large population cohorts (Lek et al., 2016). The c.165delG likely pathogenic variant causes a frameshift starting with codon Cysteine 56, changes this amino acid to a Alanine residue and creates a premature Stop codon at position 35 of the new reading frame, denoted p.Cys56AlafsX35. This variant is predicted to cause loss of normal protein function either through protein truncation or nonsense-mediated mRNA decay. Therefore, this variant is likely pathogenic; however, the possibility that it is benign cannot be excluded.

Literature cited by the submitters: PubMed 23288328 (cited by Labcorp Genetics (formerly Invitae), Labcorp).